The following is an entry in ClinVar:

ClinVar aggregate classification (germline): Uncertain significance (1 of 4 stars; one submission).

Conditions:
Hypertrophic cardiomyopathy. Also called: HYPERTROPHIC MYOCARDIOPATHY. Identifiers: Orphanet 217569, MedGen C0007194, MeSH D002312, MONDO:0005045, HP:0001639.

gnomAD v4.1: 1 of 1,610,718 alleles (0.000062%); no homozygotes.

Submission:

Labcorp Genetics (formerly Invitae), Labcorp
Classification: Uncertain significance for Hypertrophic cardiomyopathy. Last evaluated: 2023-12-08. Review status: criteria provided, single submitter. Criteria: Invitae Variant Classification Sherloc (09022015). Collection method: clinical testing. Allele origin: germline.
Comment: This sequence change replaces tyrosine, which is neutral and polar, with cysteine, which is neutral and slightly polar, at codon 1111 of the MYOM1 protein (p.Tyr1111Cys). This variant is not present in population databases (gnomAD no frequency). This variant has not been reported in the literature in individuals affected with MYOM1-related conditions. Advanced modeling of protein sequence and biophysical properties (such as structural, functional, and spatial information, amino acid conservation, physicochemical variation, residue mobility, and thermodynamic stability) performed at Invitae indicates that this missense variant is expected to disrupt MYOM1 protein function with a positive predictive value of 80%. In summary, the available evidence is currently insufficient to determine the role of this variant in disease. Therefore, it has been classified as a Variant of Uncertain Significance.

NM_003803.4(MYOM1):c.3332A>G (p.Tyr1111Cys)

Gene: MYOM1 (myomesin 1; minus strand). Cytogenetic location: 18p11.31.
Variant type: single nucleotide variant.
Coding change: c.3332A>G on transcript NM_003803.4 (MANE Select); coding-DNA position 3332, A replaced by G.
Protein change: p.Tyr1111Cys; replaces tyrosine 1111 with cysteine.
Molecular consequence: missense variant.
Genome position (GRCh38, 1-based): chr18:3,112,384, T>C on the plus strand (A>G on the coding strand, the complement: MYOM1 is on the minus strand). VCF-style: chr18-3112384-T-C. GRCh37 (hg19) VCF-style: chr18-3112382-T-C.
Other names: c.3044A>G, p.Tyr1015Cys (NM_019856.2); short protein forms Y1111C, Y1015C.
Identifiers: ClinVar variation 2699215 (VCV002699215.3), dbSNP rs2510576613, ClinGen allele CA401704869.